The following is an entry in ClinVar:

NM_006767.4(LZTR1):c.800G>A (p.Arg267His)

Gene: LZTR1 (leucine zipper like post translational regulator 1; plus strand). Cytogenetic location: 22q11.21.
Variant type: single nucleotide variant.
Coding change: c.800G>A on transcript NM_006767.4 (MANE Select); coding-DNA position 800, G replaced by A.
Protein change: p.Arg267His; replaces arginine 267 with histidine.
Molecular consequence: missense variant.
Genome position (GRCh38, 1-based): chr22:20,991,636, G>A. VCF-style: chr22-20991636-G-A. GRCh37 (hg19) VCF-style: chr22-21345925-G-A.
Other names: short protein forms R267H.
Identifiers: ClinVar variation 1367080 (VCV001367080.11), dbSNP rs754364555, ClinGen allele CA10118641.
Genomic context (GRCh38, chr22:20,991,636, plus strand): 5'-GGGTGAGCAGGAGCCCCTGTCCCAGCATTGATTCACTGTTGTGTACCCCCAGGTGGACAC[G>A]CATCCCAACTGAACACCTGCTCCGGGGCTCCCCACCACCCCCGCAGCGGCGCTACGGGCA-3'
Protein context (NP_006758.2, residues 257-277): QFEFKDKTWT[Arg267His]IPTEHLLRGS

ClinVar aggregate classification (germline): Uncertain significance. Review status: criteria provided, multiple submitters, no conflicts (2 of 4 stars). 2 submissions from 2 submitters: Uncertain significance (2). Last evaluated 2026-01-19.

Conditions:
Hereditary cancer-predisposing syndrome. Also called: Neoplastic Syndromes, Hereditary; Tumor predisposition; Hereditary neoplastic syndrome; Hereditary Cancer Syndrome. Identifiers: Orphanet 140162, MedGen C0027672, MeSH D009386, MONDO:0015356.
Cardiovascular phenotype. Identifiers: MedGen CN230736.

Allele frequency attached by ClinVar (database versions not stated): ExAC 0.00002.

Submissions (2):

Labcorp Genetics (formerly Invitae), Labcorp
Classification: Uncertain significance. Last evaluated: 2026-01-19. Review status: criteria provided, single submitter. Criteria: Invitae Variant Classification Sherloc (09022015). Collection method: clinical testing. Allele origin: germline.
Comment: This sequence change replaces arginine, which is basic and polar, with histidine, which is basic and polar, at codon 267 of the LZTR1 protein (p.Arg267His). The frequency data for this variant in the population databases is considered unreliable, as metrics indicate poor data quality at this position in the gnomAD database. This variant has not been reported in the literature in individuals affected with LZTR1-related conditions. ClinVar contains an entry for this variant (Variation ID: 1367080). Invitae Evidence Modeling of protein sequence and biophysical properties (such as structural, functional, and spatial information, amino acid conservation, physicochemical variation, residue mobility, and thermodynamic stability) indicates that this missense variant is not expected to disrupt LZTR1 protein function with a negative predictive value of 80%. In summary, the available evidence is currently insufficient to determine the role of this variant in disease. Therefore, it has been classified as a Variant of Uncertain Significance.

Ambry Genetics
Classification: Uncertain significance for Cardiovascular phenotype; Hereditary cancer-predisposing syndrome. Last evaluated: 2024-12-09. Review status: criteria provided, single submitter. Criteria: Ambry Variant Classification Scheme 2023. Collection method: clinical testing. Allele origin: germline.
Comment: The p.R267H variant (also known as c.800G>A), located in coding exon 9 of the LZTR1 gene, results from a G to A substitution at nucleotide position 800. The arginine at codon 267 is replaced by histidine, an amino acid with highly similar properties. This amino acid position is highly conserved in available vertebrate species. In addition, the in silico prediction for this alteration is inconclusive. Since supporting evidence is limited at this time, the clinical significance of this alteration remains unclear.